The following is an entry in ClinVar:

NM_015506.3(MMACHC):c.*1144A>T

Gene: MMACHC (metabolism of cobalamin associated C; plus strand). Cytogenetic location: 1p34.1.
Variant type: single nucleotide variant.
Coding change: c.*1144A>T on transcript NM_015506.3 (MANE Select); 1144 bases downstream of the stop codon, A replaced by T.
Molecular consequence: 3 prime UTR variant.
Genome position (GRCh38, 1-based): chr1:45,510,359, A>T. VCF-style: chr1-45510359-A-T. GRCh37 (hg19) VCF-style: chr1-45976031-A-T.
Other names: c.*1144A>T (NM_001330540.2).
Identifiers: ClinVar variation 297518 (VCV000297518.6), dbSNP rs181611783, ClinGen allele CA10610054.

ClinVar aggregate classification (germline): Likely benign. Review status: criteria provided, multiple submitters, no conflicts (2 of 4 stars). 2 submissions from 2 submitters: Likely benign (2). Last evaluated 2018-01-13.

Conditions:
Disorders of Intracellular Cobalamin Metabolism. Identifiers: MedGen CN043592.

Allele frequency attached by ClinVar (database versions not stated): gnomAD 0.00088 and 0.00090; 1000 Genomes Project 30x 0.00094; 1000 Genomes Project 0.00100; TOPMed 0.00148.

Submissions (2):

Illumina Laboratory Services, Illumina
Classification: Likely benign for Disorders of Intracellular Cobalamin Metabolism. Last evaluated: 2018-01-13. Review status: criteria provided, single submitter. Criteria: ICSL Variant Classification Criteria 13 December 2019. Collection method: clinical testing. Allele origin: germline.
Comment: This variant was observed in the ICSL laboratory as part of a predisposition screen in an ostensibly healthy population. It had not been previously curated by ICSL or reported in the Human Gene Mutation Database (HGMD: prior to June 1st, 2018), and was therefore a candidate for classification through an automated scoring system. Utilizing variant allele frequency, disease prevalence and penetrance estimates, and inheritance mode, an automated score was calculated to assess if this variant is too frequent to cause the disease. Based on the score and internal cut-off values, a variant classified as likely benign is not then subjected to further curation. The score for this variant resulted in a classification of likely benign for this disease.

Breakthrough Genomics
Classification: Likely benign. Review status: criteria provided, single submitter. Criteria: ACMG Guidelines, 2015. Collection method: not provided. Allele origin: germline. Inheritance: Autosomal recessive inheritance. Affected: yes.